The following is an entry in ClinVar:

NM_170707.4(LMNA):c.1256G>C (p.Arg419Pro)

Gene: LMNA (lamin A/C; plus strand). Cytogenetic location: 1q22.
Variant type: single nucleotide variant.
Coding change: c.1256G>C on transcript NM_170707.4 (MANE Select); coding-DNA position 1256, G replaced by C.
Protein change: p.Arg419Pro; replaces arginine 419 with proline.
Molecular consequence: missense variant.
Genome position (GRCh38, 1-based): chr1:156,136,312, G>C. VCF-style: chr1-156136312-G-C. GRCh37 (hg19) VCF-style: chr1-156106103-G-C.
Other names: c.920G>C, p.Arg307Pro (NM_001257374.3); c.1013G>C, p.Arg338Pro (NM_001282624.2); c.1256G>C, p.Arg419Pro (NM_001282625.2, NM_001282626.2, NM_005572.4 and 1 more transcripts); short protein forms R307P, R338P, R419P.
Identifiers: ClinVar variation 1043205 (VCV001043205.8), dbSNP rs777648901, ClinGen allele CA342821452.

ClinVar aggregate classification (germline): Uncertain significance (1 of 4 stars; one submission).

Conditions:
Charcot-Marie-Tooth disease type 2. Also called: Charcot-Marie-Tooth type 2. Identifiers: Orphanet 64746, MedGen C0270914, MONDO:0018993.

Allele frequency attached by ClinVar (database versions not stated): TOPMed 0.00001.
gnomAD v4.1: 1 of 1,612,068 alleles (0.000062%); highest among the groups gnomAD compares: Non-Finnish European, 0.000085%; no homozygotes.

Submission:

Labcorp Genetics (formerly Invitae), Labcorp
Classification: Uncertain significance for Charcot-Marie-Tooth disease type 2. Last evaluated: 2023-06-27. Review status: criteria provided, single submitter. Criteria: Invitae Variant Classification Sherloc (09022015). Collection method: clinical testing. Allele origin: germline.
Comment: ClinVar contains an entry for this variant (Variation ID: 1043205). In summary, the available evidence is currently insufficient to determine the role of this variant in disease. Therefore, it has been classified as a Variant of Uncertain Significance. Advanced modeling of protein sequence and biophysical properties (such as structural, functional, and spatial information, amino acid conservation, physicochemical variation, residue mobility, and thermodynamic stability) performed at Invitae indicates that this missense variant is expected to disrupt LMNA protein function. This missense change has been observed in individual(s) with dilated cardiomyopathy (PMID: 31383942). This variant is not present in population databases (gnomAD no frequency). This sequence change replaces arginine, which is basic and polar, with proline, which is neutral and non-polar, at codon 419 of the LMNA protein (p.Arg419Pro).

Literature cited by the submitters: PubMed 31383942.